The following is an entry in ClinVar:

ClinVar aggregate classification (germline): Uncertain significance (1 of 4 stars; one submission).

Conditions:
Spongy degeneration of central nervous system. Also called: ACY2 DEFICIENCY; AMINOACYLASE 2 DEFICIENCY; ASP DEFICIENCY; ASPA DEFICIENCY; ASPARTOACYLASE DEFICIENCY; CANAVAN-VAN BOGAERT-BERTRAND DISEASE. Identifiers: Orphanet 141, MedGen C0206307, MONDO:0010079, OMIM 271900.

Submission:

Labcorp Genetics (formerly Invitae), Labcorp
Classification: Uncertain significance for Spongy degeneration of central nervous system. Last evaluated: 2022-01-15. Review status: criteria provided, single submitter. Criteria: Invitae Variant Classification Sherloc (09022015). Collection method: clinical testing. Allele origin: germline.
Comment: This sequence change replaces aspartic acid, which is acidic and polar, with asparagine, which is neutral and polar, at codon 234 of the ASPA protein (p.Asp234Asn). This variant is present in population databases (no rsID available, gnomAD 0.0009%). This variant has not been reported in the literature in individuals affected with ASPA-related conditions. Advanced modeling of protein sequence and biophysical properties (such as structural, functional, and spatial information, amino acid conservation, physicochemical variation, residue mobility, and thermodynamic stability) performed at Invitae indicates that this missense variant is not expected to disrupt ASPA protein function. In summary, the available evidence is currently insufficient to determine the role of this variant in disease. Therefore, it has been classified as a Variant of Uncertain Significance.

NM_000049.4(ASPA):c.700G>A (p.Asp234Asn)

Genes: ASPA (aspartoacylase; plus strand), SPATA22 (spermatogenesis associated 22; minus strand). Cytogenetic location: 17p13.2.
Variant type: single nucleotide variant.
Coding change: c.700G>A on transcript NM_000049.4 (MANE Select); coding-DNA position 700, G replaced by A.
Protein change: p.Asp234Asn; replaces aspartic acid 234 with asparagine.
Molecular consequence: missense variant. On other transcripts: intron variant (2).
Genome position (GRCh38, 1-based): chr17:3,494,415, G>A. VCF-style: chr17-3494415-G-A. GRCh37 (hg19) VCF-style: chr17-3397709-G-A.
Other names: c.700G>A, p.Asp234Asn (NM_001128085.1); c.-74+18997C>T (NM_001321336.2, NM_001321337.2); short protein forms D234N.
Identifiers: ClinVar variation 1478188 (VCV001478188.6), dbSNP rs1459384444, ClinGen allele CA397686119.
Genomic context (GRCh38, chr17:3,494,415, plus strand): 5'-GAATTTCCTCCCTGCGCCATTGAGGTCTATAAAATTATAGAGAAAGTTGATTACCCCCGG[G>A]ATGAAAATGGAGAAATTGCTGCTATCATCCATCCTAATCTGCAGGTAACATTTGTTCTTT-3'
Protein context (NP_000040.1, residues 224-244): KIIEKVDYPR[Asp234Asn]ENGEIAAIIH